The following is an entry in ClinVar:

NM_203475.3(PORCN):c.201C>A (p.Phe67Leu)

Gene: PORCN (porcupine O-acyltransferase; plus strand). Cytogenetic location: Xp11.23.
Variant type: single nucleotide variant.
Coding change: c.201C>A on transcript NM_203475.3 (MANE Select); coding-DNA position 201, C replaced by A.
Protein change: p.Phe67Leu; replaces phenylalanine 67 with leucine.
Molecular consequence: missense variant. On other transcripts: intron variant (1).
Genome position (GRCh38, 1-based): chrX:48,511,359, C>A. VCF-style: chrX-48511359-C-A. GRCh37 (hg19) VCF-style: chrX-48369747-C-A.
Other names: c.201C>A, p.Phe67Leu (NM_022825.4, NM_203473.3, NM_203474.1); c.-6-7C>A (NM_001282167.2); short protein forms F67L.
Identifiers: ClinVar variation 2857614 (VCV002857614.3), dbSNP rs2519443426, ClinGen allele CA412841933.

ClinVar aggregate classification (germline): Uncertain significance (1 of 4 stars; one submission).

Submission:

Labcorp Genetics (formerly Invitae), Labcorp
Classification: Uncertain significance. Last evaluated: 2024-06-03. Review status: criteria provided, single submitter. Criteria: Invitae Variant Classification Sherloc (09022015). Collection method: clinical testing. Allele origin: germline.
Comment: This sequence change replaces phenylalanine, which is neutral and non-polar, with leucine, which is neutral and non-polar, at codon 67 of the PORCN protein (p.Phe67Leu). This variant is not present in population databases (gnomAD no frequency). This variant has not been reported in the literature in individuals affected with PORCN-related conditions. Advanced modeling of protein sequence and biophysical properties (such as structural, functional, and spatial information, amino acid conservation, physicochemical variation, residue mobility, and thermodynamic stability) has been performed at Invitae for this missense variant, however the output from this modeling did not meet the statistical confidence thresholds required to predict the impact of this variant on PORCN protein function. In summary, the available evidence is currently insufficient to determine the role of this variant in disease. Therefore, it has been classified as a Variant of Uncertain Significance.